The following is an entry in ClinVar:

ClinVar aggregate classification (germline): Uncertain significance (1 of 4 stars; one submission).

Conditions:
Severe combined immunodeficiency due to IKK2 deficiency. Also called: IMMUNODEFICIENCY 15B; Immunodeficiency 15. Identifiers: Orphanet 397787, MedGen C4747743, MONDO:0014267, OMIM 615592.

Allele frequency attached by ClinVar (database versions not stated): gnomAD exomes 0.00001; ExAC 0.00002; gnomAD 0.00003; TOPMed 0.00003; ESP Exome Variant Server 0.00023.
gnomAD v4.1: 9 of 1,613,856 alleles (0.00056%); highest among the groups gnomAD compares: African/African-American, 0.0094%; no homozygotes.

Submission:

Labcorp Genetics (formerly Invitae), Labcorp
Classification: Uncertain significance for Severe combined immunodeficiency due to IKK2 deficiency. Last evaluated: 2022-06-13. Review status: criteria provided, single submitter. Criteria: Invitae Variant Classification Sherloc (09022015). Collection method: clinical testing. Allele origin: germline.
Comment: This sequence change replaces arginine, which is basic and polar, with glutamine, which is neutral and polar, at codon 645 of the IKBKB protein (p.Arg645Gln). This variant is present in population databases (rs146638252, gnomAD 0.01%). This variant has not been reported in the literature in individuals affected with IKBKB-related conditions. Advanced modeling of protein sequence and biophysical properties (such as structural, functional, and spatial information, amino acid conservation, physicochemical variation, residue mobility, and thermodynamic stability) performed at Invitae indicates that this missense variant is not expected to disrupt IKBKB protein function. In summary, the available evidence is currently insufficient to determine the role of this variant in disease. Therefore, it has been classified as a Variant of Uncertain Significance.

NM_001556.3(IKBKB):c.1934G>A (p.Arg645Gln)

Gene: IKBKB (inhibitor of nuclear factor kappa B kinase subunit beta; plus strand). Cytogenetic location: 8p11.21.
Variant type: single nucleotide variant.
Coding change: c.1934G>A on transcript NM_001556.3 (MANE Select); coding-DNA position 1934, G replaced by A.
Protein change: p.Arg645Gln; replaces arginine 645 with glutamine.
Molecular consequence: missense variant. On other transcripts: non-coding transcript variant (3).
Genome position (GRCh38, 1-based): chr8:42,322,442, G>A. VCF-style: chr8-42322442-G-A. GRCh37 (hg19) VCF-style: chr8-42179960-G-A.
Other names: c.1742G>A, p.Arg581Gln (NM_001190720.3); c.1757G>A, p.Arg586Gln (NM_001242778.2); short protein forms R581Q, R586Q, R645Q.
Identifiers: ClinVar variation 1373381 (VCV001373381.3), dbSNP rs146638252, ClinGen allele CA4732154.